The following is an entry in ClinVar:

ClinVar aggregate classification (germline): Uncertain significance (1 of 4 stars; one submission).

gnomAD v4.1: 1 of 1,595,340 alleles (0.000063%); highest among the groups gnomAD compares: Non-Finnish European, 0.000085%; no homozygotes.

Submission:

GeneDx
Classification: Uncertain significance. Last evaluated: 2024-03-19. Review status: criteria provided, single submitter. Criteria: GeneDx Variant Classification Process June 2021. Collection method: clinical testing. Allele origin: germline. Affected: yes.
Comment: Not observed at significant frequency in large population cohorts (gnomAD); In silico analysis supports that this missense variant does not alter protein structure/function; Has not been previously published as pathogenic or benign to our knowledge

NM_145331.3(MAP3K7):c.136G>A (p.Ala46Thr)

Gene: MAP3K7 (mitogen-activated protein kinase kinase kinase 7; minus strand). Cytogenetic location: 6q15.
Variant type: single nucleotide variant.
Coding change: c.136G>A on transcript NM_145331.3 (MANE Select); coding-DNA position 136, G replaced by A.
Protein change: p.Ala46Thr; replaces alanine 46 with threonine.
Molecular consequence: missense variant.
Genome position (GRCh38, 1-based): chr6:90,571,792, C>T on the plus strand (G>A on the coding strand, the complement: MAP3K7 is on the minus strand). VCF-style: chr6-90571792-C-T. GRCh37 (hg19) VCF-style: chr6-91281511-C-T.
Other names: c.136G>A, p.Ala46Thr (NM_003188.4, NM_145332.3, NM_145333.3); short protein forms A46T.
Identifiers: ClinVar variation 3373645 (VCV003373645.1).